The following is an entry in ClinVar:

NM_001080508.3(TBX18):c.586A>C (p.Asn196His)

Gene: TBX18 (T-box transcription factor 18; minus strand). Cytogenetic location: 6q14.3.
Variant type: single nucleotide variant.
Coding change: c.586A>C on transcript NM_001080508.3 (MANE Select); coding-DNA position 586, A replaced by C.
Protein change: p.Asn196His; replaces asparagine 196 with histidine.
Molecular consequence: missense variant.
Genome position (GRCh38, 1-based): chr6:84,760,268, T>G on the plus strand (A>C on the coding strand, the complement: TBX18 is on the minus strand). VCF-style: chr6-84760268-T-G. GRCh37 (hg19) VCF-style: chr6-85469986-T-G.
Other names: short protein forms N196H.
Identifiers: ClinVar variation 4695589 (VCV004695589.1).

ClinVar aggregate classification (germline): Uncertain significance (1 of 4 stars; one submission).

gnomAD v4.1: 2 of 1,593,470 alleles (0.00013%); highest among the groups gnomAD compares: East Asian, 0.0045%; no homozygotes.

Submission:

Labcorp Genetics (formerly Invitae), Labcorp
Classification: Uncertain significance. Last evaluated: 2026-01-26. Review status: criteria provided, single submitter. Criteria: Invitae Variant Classification Sherloc (09022015). Collection method: clinical testing. Allele origin: germline.
Comment: This sequence change replaces asparagine, which is neutral and polar, with histidine, which is basic and polar, at codon 196 of the TBX18 protein (p.Asn196His). This variant is present in population databases (no rsID available, gnomAD 0.006%). This variant has not been reported in the literature in individuals affected with TBX18-related conditions. Invitae Evidence Modeling of protein sequence and biophysical properties (such as structural, functional, and spatial information, amino acid conservation, physicochemical variation, residue mobility, and thermodynamic stability) indicates that this missense variant is expected to disrupt TBX18 protein function with a positive predictive value of 80%. In summary, the available evidence is currently insufficient to determine the role of this variant in disease. Therefore, it has been classified as a Variant of Uncertain Significance.